The following is an entry in ClinVar:

NM_130837.3(OPA1):c.838A>T (p.Thr280Ser)

Gene: OPA1 (OPA1 mitochondrial dynamin like GTPase; plus strand). Cytogenetic location: 3q29.
Variant type: single nucleotide variant.
Coding change: c.838A>T on transcript NM_130837.3 (MANE Select); coding-DNA position 838, A replaced by T.
Protein change: p.Thr280Ser; replaces threonine 280 with serine.
Molecular consequence: missense variant.
Genome position (GRCh38, 1-based): chr3:193,631,660, A>T. VCF-style: chr3-193631660-A-T. GRCh37 (hg19) VCF-style: chr3-193349449-A-T.
Other names: c.304A>T, p.Thr102Ser (NM_001354663.2); c.301A>T, p.Thr101Ser (NM_001354664.2); c.673A>T, p.Thr225Ser (NM_015560.3); c.565A>T, p.Thr189Ser (NM_130831.3); c.619A>T, p.Thr207Ser (NM_130832.3); c.676A>T, p.Thr226Ser (NM_130833.3); c.727A>T, p.Thr243Ser (NM_130834.3); c.730A>T, p.Thr244Ser (NM_130835.3); and 1 more; short protein forms T225S, T226S, T243S, T244S, T101S, T189S, T207S, T102S.
Identifiers: ClinVar variation 4779377 (VCV004779377.1).
Genomic context (GRCh38, chr3:193,631,660, plus strand): 5'-TTAAACATTTAGGTGTCAGACAAAGAGAAAATTGACCAACTTCAGGAAGAACTTCTGCAC[A>T]CTCAGGTAATCATGATGACTAAGAAAAACTAGGGACTTTTAAAAATTATATTCGAATGTA-3'
Protein context (NP_570850.2, residues 270-290): IDQLQEELLH[Thr280Ser]QLKYQRILER

ClinVar aggregate classification (germline): Uncertain significance (1 of 4 stars; one submission).

Submission:

Labcorp Genetics (formerly Invitae), Labcorp
Classification: Uncertain significance. Last evaluated: 2025-12-09. Review status: criteria provided, single submitter. Criteria: Invitae Variant Classification Sherloc (09022015). Collection method: clinical testing. Allele origin: germline.
Comment: This sequence change replaces threonine, which is neutral and polar, with serine, which is neutral and polar, at codon 225 of the OPA1 protein (p.Thr225Ser). This variant is not present in population databases (gnomAD no frequency). This variant has not been reported in the literature in individuals affected with OPA1-related conditions. Invitae Evidence Modeling of protein sequence and biophysical properties (such as structural, functional, and spatial information, amino acid conservation, physicochemical variation, residue mobility, and thermodynamic stability) indicates that this missense variant is not expected to disrupt OPA1 protein function with a negative predictive value of 80%. In summary, the available evidence is currently insufficient to determine the role of this variant in disease. Therefore, it has been classified as a Variant of Uncertain Significance.